The following is an entry in ClinVar:

NM_000384.3(APOB):c.6678C>A (p.Ile2226=)

Gene: APOB (apolipoprotein B; minus strand). Cytogenetic location: 2p24.1.
Variant type: single nucleotide variant.
Coding change: c.6678C>A on transcript NM_000384.3 (MANE Select); coding-DNA position 6678, C replaced by A.
Protein change: p.Ile2226=; no amino-acid change (isoleucine 2226 retained).
Molecular consequence: synonymous variant.
Genome position (GRCh38, 1-based): chr2:21,010,190, G>T on the plus strand (C>A on the coding strand, the complement: APOB is on the minus strand). VCF-style: chr2-21010190-G-T. GRCh37 (hg19) VCF-style: chr2-21233062-G-T.
Identifiers: ClinVar variation 927538 (VCV000927538.8), dbSNP rs1191448462, ClinGen allele CA425345656.

ClinVar aggregate classification (germline): Likely benign. Review status: criteria provided, multiple submitters, no conflicts (2 of 4 stars). 3 submissions from 3 submitters: Likely benign (3). Last evaluated 2024-08-06.

Conditions:
Cardiovascular phenotype. Identifiers: MedGen CN230736.
Familial hypobetalipoproteinemia 1. Also called: Hypobetalipoproteinemia, normotriglyceridemic; Acanthocytosis with hypobetalipoproteinemia; APOB-Related Familial Hypobetalipoproteinemia. Identifiers: MedGen C4551990, MONDO:0014252, OMIM 615558.
Hypercholesterolemia, autosomal dominant, type B (FHCL2). Also called: Familial Hypercholesterolemia Type B; HYPERCHOLESTEROLEMIA, FAMILIAL, DUE TO LIGAND-DEFECTIVE APOLIPOPROTEIN B; Familial hypercholesterolemia 2; APOB-Related Familial Hypercholesterolemia, Autosomal Dominant; APOLIPOPROTEIN B-100, FAMILIAL DEFECTIVE; APOLIPOPROTEIN B-100, FAMILIAL LIGAND-DEFECTIVE. Identifiers: MedGen C1704417, MONDO:0007751, OMIM 144010.
Familial hypercholesterolemia. Also called: Familial hypercholesterolemias; Familial hypercholesterolaemia. Identifiers: MedGen C0020445, MONDO:0005439.

Allele frequency attached by ClinVar (database versions not stated): gnomAD 0.00001; TOPMed 0.00001.
gnomAD v4.1: 10 of 1,594,880 alleles (0.00063%); highest among the groups gnomAD compares: Non-Finnish European, 0.00077%; no homozygotes.

Submissions (3):

GENinCode PLC
Classification: Likely benign for Familial hypercholesterolemia. Last evaluated: 2024-08-06. Review status: criteria provided, single submitter. Criteria: ACMG Guidelines, 2015. Collection method: clinical testing. Allele origin: germline.
Comment: This is a synonymous (silent) variant that is not predicted by SpliceAI to impact splicing. In addition, it occurs at a nucleotide that is not conserved. Therefore this variant has been classified as Likely Benign (BP4, BP7).

Labcorp Genetics (formerly Invitae), Labcorp
Classification: Likely benign for Familial hypobetalipoproteinemia 1; Hypercholesterolemia, autosomal dominant, type B. Last evaluated: 2024-07-31. Review status: criteria provided, single submitter. Criteria: Invitae Variant Classification Sherloc (09022015). Collection method: clinical testing. Allele origin: germline.

Ambry Genetics
Classification: Likely benign for Cardiovascular phenotype. Last evaluated: 2019-12-05. Review status: criteria provided, single submitter. Criteria: Ambry Variant Classification Scheme 2023. Collection method: clinical testing. Allele origin: germline.